The following is an entry in ClinVar:

ClinVar aggregate classification (germline): Likely pathogenic (1 of 4 stars; one submission).

Conditions:
Marbach-Schaaf neurodevelopmental syndrome (MASNS). Identifiers: Orphanet 692173, MedGen C5562050, MONDO:0859214, OMIM 619680.

Submission:

Diagnostics Services (NGS), CSIR - Centre For Cellular And Molecular Biology
Classification: Likely pathogenic for Marbach-Schaaf neurodevelopmental syndrome. Last evaluated: 2022-08-24. Review status: criteria provided, single submitter. Criteria: ACMG Guidelines, 2015. Collection method: clinical testing. Allele origin: unknown. Affected: yes. Observed: 1 variant allele, 1 heterozygote.
Comment: The c.570G>A variant is not present in publicly available population databases like 1000 Genomes, Exome Variant Server (EVS), Exome Aggregation Consortium (ExAC), Genome Aggregation Database (gnomAD) and Indian Exome Database. The variant is absent in our in-house exome database. The variant has not been published in literature or reported to clinical databases like ClinVar, Human Gene Mutation Database (HGMD) or OMIM, in any affected individuals. In-silico pathogenicity prediction programs like MutationTaster2, CADD, Varsome etc. predicted this variant to be likely deleterious however these predictions were not confirmed by any publiahed functional studies.

NM_001164760.2(PRKAR1B):c.570G>A (p.Trp190Ter)

Gene: PRKAR1B (protein kinase cAMP-dependent type I regulatory subunit beta; minus strand). Cytogenetic location: 7p22.3.
Variant type: single nucleotide variant.
Coding change: c.570G>A on transcript NM_001164760.2 (MANE Select); coding-DNA position 570, G replaced by A.
Protein change: p.Trp190Ter; replaces tryptophan 190 with a stop codon.
Molecular consequence: nonsense.
Genome position (GRCh38, 1-based): chr7:596,284, C>T on the plus strand (G>A on the coding strand, the complement: PRKAR1B is on the minus strand). VCF-style: chr7-596284-C-T. GRCh37 (hg19) VCF-style: chr7-635921-C-T.
Other names: c.570G>A, p.Trp190Ter (NM_001164758.2, NM_001164759.1, NM_001164761.2 and 2 more transcripts); short protein forms W190*.
Identifiers: ClinVar variation 1802230 (VCV001802230.3), dbSNP rs2483243726, ClinGen allele CA366529299.
Genomic context (GRCh38, chr7:596,284, plus strand): 5'-GGGGGTGCCGTAGATGAGCGCCAGCTCCCCGAAGCTGCCTCCCTCGCTGATGTTGGTCAC[C>T]CACTCTCCGTTCACGTACACCTTTGGGGAGCAAGAGAGAGAAGTGTCACGGGGGCCAGGC-3'